The following is an entry in ClinVar:

ClinVar aggregate classification (germline): Uncertain significance. Review status: criteria provided, multiple submitters, no conflicts (2 of 4 stars). 4 submissions from 4 submitters: Uncertain significance (4). Last evaluated 2025-07-08.

Conditions:
Familial sleep-related hypermotor epilepsy. Also called: Autosomal Dominant Sleep-Related Hypermotor (Hyperkinetic) Epilepsy. Identifiers: Orphanet 98784, MedGen C3696898, MONDO:0000030.
Inborn genetic diseases. Identifiers: MedGen C0950123, MeSH D030342.

Allele frequency attached by ClinVar (database versions not stated): TOPMed below 0.00001; ExAC 0.00001.

Submissions (4):

Labcorp Genetics (formerly Invitae), Labcorp
Classification: Uncertain significance. Last evaluated: 2025-07-08. Review status: criteria provided, single submitter. Criteria: Invitae Variant Classification Sherloc (09022015). Collection method: clinical testing. Allele origin: germline.
Comment: This sequence change replaces serine, which is neutral and polar, with phenylalanine, which is neutral and non-polar, at codon 407 of the CHRNA4 protein (p.Ser407Phe). The frequency data for this variant in the population databases is considered unreliable, as metrics indicate poor data quality at this position in the gnomAD database. This variant has not been reported in the literature in individuals affected with CHRNA4-related conditions. ClinVar contains an entry for this variant (Variation ID: 411847). Invitae Evidence Modeling of protein sequence and biophysical properties (such as structural, functional, and spatial information, amino acid conservation, physicochemical variation, residue mobility, and thermodynamic stability) indicates that this missense variant is not expected to disrupt CHRNA4 protein function with a negative predictive value of 80%. In summary, the available evidence is currently insufficient to determine the role of this variant in disease. Therefore, it has been classified as a Variant of Uncertain Significance.

Blueprint Genetics
Classification: Uncertain significance. Last evaluated: 2024-10-24. Review status: criteria provided, single submitter. Criteria: ACMG Guidelines, 2015. Collection method: clinical testing. Allele origin: germline.

Ambry Genetics
Classification: Uncertain significance for Inborn genetic diseases. Last evaluated: 2024-10-01. Review status: criteria provided, single submitter. Criteria: Ambry Variant Classification Scheme 2023. Collection method: clinical testing. Allele origin: germline.

Women's Health and Genetics/Laboratory Corporation of America, LabCorp
Classification: Uncertain significance. Last evaluated: 2023-11-17. Review status: criteria provided, single submitter. Criteria: LabCorp Variant Classification Summary - May 2015. Collection method: clinical testing. Allele origin: germline.
Comment: Variant summary: CHRNA4 c.1220C>T (p.Ser407Phe) results in a non-conservative amino acid change located in the neurotransmitter-gated ion-channel transmembrane domain (IPR006029) of the encoded protein sequence. Four of five in-silico tools predict a benign effect of the variant on protein function. The variant was absent in 224516 control chromosomes (gnomAD). The available data on variant occurrences in the general population are insufficient to allow any conclusion about variant significance. To our knowledge, no occurrence of c.1220C>T in individuals affected with Epilepsy, Nocturnal Frontal Lobe, Type 1 and no experimental evidence demonstrating its impact on protein function have been reported. Two submitters have cited clinical-significance assessments for this variant to ClinVar after 2014. Both submitters classified the variant as uncertain significance. Based on the evidence outlined above, the variant was classified as uncertain significance.

NM_000744.7(CHRNA4):c.1220C>T (p.Ser407Phe)

Gene: CHRNA4 (cholinergic receptor nicotinic alpha 4 subunit; minus strand). Cytogenetic location: 20q13.33.
Variant type: single nucleotide variant.
Coding change: c.1220C>T on transcript NM_000744.7 (MANE Select); coding-DNA position 1220, C replaced by T.
Protein change: p.Ser407Phe; replaces serine 407 with phenylalanine.
Molecular consequence: missense variant. On other transcripts: non-coding transcript variant (1).
Genome position (GRCh38, 1-based): chr20:63,350,191, G>A on the plus strand (C>T on the coding strand, the complement: CHRNA4 is on the minus strand). VCF-style: chr20-63350191-G-A. GRCh37 (hg19) VCF-style: chr20-61981543-G-A.
Other names: c.692C>T, p.Ser231Phe (NM_001256573.2); short protein forms S407F, S231F.
Identifiers: ClinVar variation 411847 (VCV000411847.13), dbSNP rs761335733, ClinGen allele CA9957628.